The following is an entry in ClinVar:

NM_017841.4(SDHAF2):c.420G>T (p.Leu140=)

Gene: SDHAF2 (succinate dehydrogenase complex assembly factor 2; plus strand). Cytogenetic location: 11q12.2.
Variant type: single nucleotide variant.
Coding change: c.420G>T on transcript NM_017841.4 (MANE Select); coding-DNA position 420, G replaced by T.
Protein change: p.Leu140=; no amino-acid change (leucine 140 retained).
Molecular consequence: synonymous variant.
Genome position (GRCh38, 1-based): chr11:61,445,990, G>T. VCF-style: chr11-61445990-G-T. GRCh37 (hg19) VCF-style: chr11-61213462-G-T.
Identifiers: ClinVar variation 4703392 (VCV004703392.1).

ClinVar aggregate classification (germline): Uncertain significance (1 of 4 stars; one submission).

Conditions:
Hereditary pheochromocytoma and paraganglioma. Also called: Hereditary pheochromocytoma-paraganglioma; Hereditary Paraganglioma-Pheochromocytoma Syndromes; Hereditary paragangliomas and pheochromocytomas. Identifiers: Orphanet 29072, MedGen C4274332, MONDO:0017366.

Submission:

Labcorp Genetics (formerly Invitae), Labcorp
Classification: Uncertain significance for Hereditary pheochromocytoma and paraganglioma. Last evaluated: 2026-01-14. Review status: criteria provided, single submitter. Criteria: Invitae Variant Classification Sherloc (09022015). Collection method: clinical testing. Allele origin: germline.
Comment: This sequence change affects codon 140 of the SDHAF2 mRNA. It is a 'silent' change, meaning that it does not change the encoded amino acid sequence of the SDHAF2 protein. This variant is not present in population databases (gnomAD no frequency). This variant has not been reported in the literature in individuals affected with SDHAF2-related conditions. Algorithms developed to predict the effect of sequence changes on RNA splicing suggest that this variant may disrupt the consensus splice site. In summary, the available evidence is currently insufficient to determine the role of this variant in disease. Therefore, it has been classified as a Variant of Uncertain Significance.